The following is an entry in ClinVar:

NM_006361.6(HOXB13):c.6G>T (p.Glu2Asp)

Gene: HOXB13 (homeobox B13; minus strand). Cytogenetic location: 17q21.32.
Variant type: single nucleotide variant.
Coding change: c.6G>T on transcript NM_006361.6 (MANE Select); coding-DNA position 6, G replaced by T.
Protein change: p.Glu2Asp; replaces glutamic acid 2 with aspartic acid.
Molecular consequence: missense variant.
Genome position (GRCh38, 1-based): chr17:48,728,588, C>A on the plus strand (G>T on the coding strand, the complement: HOXB13 is on the minus strand). VCF-style: chr17-48728588-C-A. GRCh37 (hg19) VCF-style: chr17-46805950-C-A.
Other names: short protein forms E2D.
Identifiers: ClinVar variation 2885170 (VCV002885170.4), dbSNP rs371544984, ClinGen allele CA400110011.

ClinVar aggregate classification (germline): Uncertain significance. Review status: criteria provided, multiple submitters, no conflicts (2 of 4 stars). 2 submissions from 2 submitters: Uncertain significance (2). Last evaluated 2026-08-18.

Conditions:
Hereditary cancer-predisposing syndrome. Also called: Hereditary Cancer Syndrome; Hereditary neoplastic syndrome; Neoplastic Syndromes, Hereditary; Tumor predisposition. Identifiers: Orphanet 140162, MedGen C0027672, MeSH D009386, MONDO:0015356.

Submissions (2):

Ambry Genetics
Classification: Uncertain significance for Hereditary cancer-predisposing syndrome. Last evaluated: 2026-08-18. Review status: criteria provided, single submitter. Criteria: Ambry Variant Classification Scheme 2023. Collection method: clinical testing. Allele origin: germline.
Comment: The p.E2D variant (also known as c.6G>T), located in coding exon 1 of the HOXB13 gene, results from a G to T substitution at nucleotide position 6. The glutamic acid at codon 2 is replaced by aspartic acid, an amino acid with highly similar properties. This amino acid position is highly conserved in available vertebrate species. In addition, the in silico prediction for this alteration is inconclusive. Based on the available evidence, the clinical significance of this variant remains unclear.

Labcorp Genetics (formerly Invitae), Labcorp
Classification: Uncertain significance. Last evaluated: 2025-03-05. Review status: criteria provided, single submitter. Criteria: Invitae Variant Classification Sherloc (09022015). Collection method: clinical testing. Allele origin: germline.
Comment: This sequence change replaces glutamic acid, which is acidic and polar, with aspartic acid, which is acidic and polar, at codon 2 of the HOXB13 protein (p.Glu2Asp). This variant is not present in population databases (gnomAD no frequency). This variant has not been reported in the literature in individuals affected with HOXB13-related conditions. ClinVar contains an entry for this variant (Variation ID: 2885170). An algorithm developed to predict the effect of missense changes on protein structure and function (PolyPhen-2) suggests that this variant is likely to be tolerated. In summary, the available evidence is currently insufficient to determine the role of this variant in disease. Therefore, it has been classified as a Variant of Uncertain Significance.